The following is an entry in ClinVar:

ClinVar aggregate classification (germline): Uncertain significance (1 of 4 stars; one submission).

Submission:

Ambry Genetics
Classification: Uncertain significance. Last evaluated: 2026-04-19. Review status: criteria provided, single submitter. Criteria: Ambry Variant Classification Scheme 2023. Collection method: clinical testing. Allele origin: germline.
Comment: The p.S307L variant (also known as c.920C>T), located in coding exon 4 of the GFI1 gene, results from a C to T substitution at nucleotide position 920. The serine at codon 307 is replaced by leucine, an amino acid with dissimilar properties. This amino acid position is conserved. In addition, this alteration is predicted to be tolerated by in silico analysis. Based on the available evidence, the clinical significance of this variant remains unclear.

NM_005263.5(GFI1):c.920C>T (p.Ser307Leu)

Gene: GFI1 (growth factor independent 1 transcriptional repressor; minus strand). Cytogenetic location: 1p22.1.
Variant type: single nucleotide variant.
Coding change: c.920C>T on transcript NM_005263.5 (MANE Select); coding-DNA position 920, C replaced by T.
Protein change: p.Ser307Leu; replaces serine 307 with leucine.
Molecular consequence: missense variant.
Genome position (GRCh38, 1-based): chr1:92,480,352, G>A on the plus strand (C>T on the coding strand, the complement: GFI1 is on the minus strand). VCF-style: chr1-92480352-G-A. GRCh37 (hg19) VCF-style: chr1-92945909-G-A.
Other names: c.920C>T, p.Ser307Leu (NM_001127215.3, NM_001127216.3); short protein forms S307L.
Identifiers: ClinVar variation 4858040 (VCV004858040.1).